The following is an entry in ClinVar:

ClinVar aggregate classification (germline): Uncertain significance. Review status: criteria provided, multiple submitters, no conflicts (2 of 4 stars). 3 submissions from 3 submitters: Uncertain significance (3). Last evaluated 2026-07-20.

Conditions:
Inborn genetic diseases. Identifiers: MedGen C0950123, MeSH D030342.
Intellectual developmental disorder, X-linked, syndromic, Raymond type. Also called: Syndromic X-linked intellectual disability Raymond type. Identifiers: MedGen C3275406, MONDO:0010427, OMIM 300799.

Submissions (3):

Ambry Genetics
Classification: Uncertain significance for Inborn genetic diseases. Last evaluated: 2026-07-20. Review status: criteria provided, single submitter. Criteria: Ambry Variant Classification Scheme 2023. Collection method: clinical testing. Allele origin: germline.

Labcorp Genetics (formerly Invitae), Labcorp
Classification: Uncertain significance for Intellectual developmental disorder, X-linked, syndromic, Raymond type. Last evaluated: 2023-11-03. Review status: criteria provided, single submitter. Criteria: Invitae Variant Classification Sherloc (09022015). Collection method: clinical testing. Allele origin: germline.
Comment: This sequence change replaces threonine, which is neutral and polar, with alanine, which is neutral and non-polar, at codon 82 of the ZDHHC9 protein (p.Thr82Ala). This variant is not present in population databases (gnomAD no frequency). This variant has not been reported in the literature in individuals affected with ZDHHC9-related conditions. ClinVar contains an entry for this variant (Variation ID: 1420839). Advanced modeling of protein sequence and biophysical properties (such as structural, functional, and spatial information, amino acid conservation, physicochemical variation, residue mobility, and thermodynamic stability) performed at Invitae indicates that this missense variant is not expected to disrupt ZDHHC9 protein function with a negative predictive value of 80%. In summary, the available evidence is currently insufficient to determine the role of this variant in disease. Therefore, it has been classified as a Variant of Uncertain Significance.

GeneDx
Classification: Uncertain significance. Last evaluated: 2023-01-30. Review status: criteria provided, single submitter. Criteria: GeneDx Variant Classification Process June 2021. Collection method: clinical testing. Allele origin: germline. Affected: yes.
Comment: Not observed at significant frequency in large population cohorts (gnomAD); In silico analysis supports that this missense variant does not alter protein structure/function; Has not been previously published as pathogenic or benign to our knowledge

NM_016032.4(ZDHHC9):c.244A>G (p.Thr82Ala)

Gene: ZDHHC9 (zDHHC palmitoyltransferase 9; minus strand). Cytogenetic location: Xq26.1.
Variant type: single nucleotide variant.
Coding change: c.244A>G on transcript NM_016032.4 (MANE Select); coding-DNA position 244, A replaced by G.
Protein change: p.Thr82Ala; replaces threonine 82 with alanine.
Molecular consequence: missense variant.
Genome position (GRCh38, 1-based): chrX:129,829,065, T>C on the plus strand (A>G on the coding strand, the complement: ZDHHC9 is on the minus strand). VCF-style: chrX-129829065-T-C. GRCh37 (hg19) VCF-style: chrX-128963041-T-C.
Other names: c.244A>G (NM_016032.3, NM_016032.2); c.244A>G, p.Thr82Ala (NM_001008222.3); short protein forms T82A.
Identifiers: ClinVar variation 1420839 (VCV001420839.9), dbSNP rs2124124631, ClinGen allele CA414592803.
Genomic context (GRCh38, chrX:129,829,065, plus strand): 5'-CTTCATCTGGTAGCGCCCGAGGAATCACTCCAGGGTCACTGAAGCTGGTCCTCAACAGTG[T>C]AGCCATGGAGAAAAGGAAGAGCATGGCAGCAAATACAGGGATGGCAGGAGACAGCTGAAC-3'
Protein context (NP_057116.2, residues 72-92): AAMLFLFSMA[Thr82Ala]LLRTSFSDPG